The following is an entry in ClinVar:

NM_000088.4(COL1A1):c.3108T>C (p.Arg1036=)

Gene: COL1A1 (collagen type I alpha 1 chain; minus strand). Cytogenetic location: 17q21.33.
Variant type: single nucleotide variant.
Coding change: c.3108T>C on transcript NM_000088.4 (MANE Select); coding-DNA position 3108, T replaced by C.
Protein change: p.Arg1036=; no amino-acid change (arginine 1036 retained).
Molecular consequence: synonymous variant.
Genome position (GRCh38, 1-based): chr17:50,188,629, A>G on the plus strand (T>C on the coding strand, the complement: COL1A1 is on the minus strand). VCF-style: chr17-50188629-A-G. GRCh37 (hg19) VCF-style: chr17-48265990-A-G.
Other names: p.Arg1036=.
Identifiers: ClinVar variation 3230269 (VCV003230269.2), dbSNP rs372799058, ClinGen allele CA8644556.

ClinVar aggregate classification (germline): Likely benign. Review status: criteria provided, multiple submitters, no conflicts (2 of 4 stars). 2 submissions from 2 submitters: Likely benign (2). Last evaluated 2025-06-03.

Conditions:
Cardiovascular phenotype. Identifiers: MedGen CN230736.

Allele frequency attached by ClinVar (database versions not stated): gnomAD exomes below 0.00001; ExAC 0.00001; ESP Exome Variant Server 0.00008.
gnomAD v4.1: 2 of 1,613,244 alleles (0.00012%); highest among the groups gnomAD compares: Non-Finnish European, 0.00017%; no homozygotes.

Submissions (2):

Mayo Clinic Laboratories, Mayo Clinic
Classification: Likely benign. Last evaluated: 2025-06-03. Review status: criteria provided, single submitter. Criteria: ACMG Guidelines, 2015. Collection method: clinical testing. Allele origin: germline. Observed: 1 variant allele.
Comment: BP4, BP7, PM2_supporting

Ambry Genetics
Classification: Likely benign for Cardiovascular phenotype. Last evaluated: 2024-01-29. Review status: criteria provided, single submitter. Criteria: Ambry Variant Classification Scheme 2023. Collection method: clinical testing. Allele origin: germline.